The following is an entry in ClinVar:

NM_003070.5(SMARCA2):c.1030C>G (p.Gln344Glu)

Gene: SMARCA2 (SWI/SNF related BAF chromatin remodeling complex subunit ATPase 2; plus strand). Cytogenetic location: 9p24.3.
Variant type: single nucleotide variant.
Coding change: c.1030C>G on transcript NM_003070.5 (MANE Select); coding-DNA position 1030, C replaced by G.
Protein change: p.Gln344Glu; replaces glutamine 344 with glutamic acid.
Molecular consequence: missense variant.
Genome position (GRCh38, 1-based): chr9:2,047,468, C>G. VCF-style: chr9-2047468-C-G. GRCh37 (hg19) VCF-style: chr9-2047468-C-G.
Other names: c.1030C>G, p.Gln344Glu (NM_001289396.2, NM_001289397.2, NM_139045.4); short protein forms Q344E.
Identifiers: ClinVar variation 3781119 (VCV003781119.1).

ClinVar aggregate classification (germline): Uncertain significance (1 of 4 stars; one submission).

Submission:

GeneDx
Classification: Uncertain significance. Last evaluated: 2024-10-16. Review status: criteria provided, single submitter. Criteria: GeneDx Variant Classification Process June 2021. Collection method: clinical testing. Allele origin: germline. Affected: yes.
Comment: Not observed at significant frequency in large population cohorts (gnomAD); In silico analysis indicates that this missense variant does not alter protein structure/function; Has not been previously published as pathogenic or benign to our knowledge